The following is an entry in ClinVar:

ClinVar aggregate classification (germline): Uncertain significance. Review status: criteria provided, multiple submitters, no conflicts (2 of 4 stars). 3 submissions from 3 submitters: Uncertain significance (3). Last evaluated 2026-08-27.

Conditions:
Hereditary cancer-predisposing syndrome. Also called: Hereditary Cancer Syndrome; Tumor predisposition; Neoplastic Syndromes, Hereditary; Hereditary neoplastic syndrome. Identifiers: Orphanet 140162, MedGen C0027672, MeSH D009386, MONDO:0015356.
DICER1-related disorder. Also called: DICER1-related condition.
DICER1-related tumor predisposition. Also called: DICER1-related pleuropulmonary blastoma cancer predisposition syndrome; DICER1 syndrome. Identifiers: Orphanet 284343, MedGen C3839822, MONDO:0100216.

Allele frequency attached by ClinVar (database versions not stated): gnomAD exomes below 0.00001.
gnomAD v4.1: 1 of 1,614,196 alleles (0.000062%); highest among the groups gnomAD compares: Non-Finnish European, 0.000085%; no homozygotes.

Submissions (3):

Ambry Genetics
Classification: Uncertain significance for Hereditary cancer-predisposing syndrome. Last evaluated: 2026-08-27. Review status: criteria provided, single submitter. Criteria: Ambry Variant Classification Scheme 2023. Collection method: clinical testing. Allele origin: germline.

PreventionGenetics, part of Exact Sciences
Classification: Uncertain significance for DICER1-related condition. Last evaluated: 2026-02-18. Review status: criteria provided, single submitter. Criteria: ACMG Guidelines, 2015. Collection method: clinical testing. Allele origin: germline.
Comment: The DICER1 c.3505T>G variant is predicted to result in the amino acid substitution p.Ser1169Ala. To our knowledge, this variant has not been reported in the literature or in a large population database (gnomAD), indicating this variant is rare. At this time, the clinical significance of this variant is uncertain due to the absence of conclusive functional and genetic evidence.

Labcorp Genetics (formerly Invitae), Labcorp
Classification: Uncertain significance for DICER1-related tumor predisposition. Last evaluated: 2022-03-12. Review status: criteria provided, single submitter. Criteria: Invitae Variant Classification Sherloc (09022015). Collection method: clinical testing. Allele origin: germline.
Comment: This variant has not been reported in the literature in individuals affected with DICER1-related conditions. This variant is not present in population databases (gnomAD no frequency). This sequence change replaces serine, which is neutral and polar, with alanine, which is neutral and non-polar, at codon 1169 of the DICER1 protein (p.Ser1169Ala). Algorithms developed to predict the effect of missense changes on protein structure and function output the following: SIFT: "Tolerated"; PolyPhen-2: "Benign"; Align-GVGD: "Class C0". The alanine amino acid residue is found in multiple mammalian species, which suggests that this missense change does not adversely affect protein function. In summary, the available evidence is currently insufficient to determine the role of this variant in disease. Therefore, it has been classified as a Variant of Uncertain Significance.

NM_177438.3(DICER1):c.3505T>G (p.Ser1169Ala)

Gene: DICER1 (dicer 1, ribonuclease III; minus strand). Cytogenetic location: 14q32.13.
Variant type: single nucleotide variant.
Coding change: c.3505T>G on transcript NM_177438.3 (MANE Select); coding-DNA position 3505, T replaced by G.
Protein change: p.Ser1169Ala; replaces serine 1169 with alanine.
Molecular consequence: missense variant.
Genome position (GRCh38, 1-based): chr14:95,103,891, A>C on the plus strand (T>G on the coding strand, the complement: DICER1 is on the minus strand). VCF-style: chr14-95103891-A-C. GRCh37 (hg19) VCF-style: chr14-95570228-A-C.
Other names: c.3505T>G, p.Ser1169Ala (NM_001195573.1, NM_001271282.3, NM_001291628.2 and 1 more transcripts); short protein forms S1169A.
Identifiers: ClinVar variation 1491520 (VCV001491520.14), dbSNP rs2139966868, ClinGen allele CA390875142.